The following is an entry in ClinVar:

ClinVar aggregate classification (germline): Uncertain significance. Review status: criteria provided, multiple submitters, no conflicts (2 of 4 stars). 3 submissions from 3 submitters: Uncertain significance (2). 1 of the submissions does not count toward it. Last evaluated 2024-12-09.

Conditions:
Aortic valve disease 2 (AOVD2). Identifiers: MedGen C3542024, MONDO:0013902, OMIM 614823.
SMAD6-related disease. Also called: SMAD6-related disorder; SMAD6-related condition. Identifiers: MedGen CN381596, MONDO:0700324.
Inborn genetic diseases. Identifiers: MedGen C0950123, MeSH D030342.

gnomAD v4.1: 8 of 1,603,114 alleles (0.0005%); highest among the groups gnomAD compares: Non-Finnish European, 0.00068%; no homozygotes.

Submissions (3):

Ambry Genetics
Classification: Uncertain significance for Inborn genetic diseases. Last evaluated: 2024-12-09. Review status: criteria provided, single submitter. Criteria: Ambry Variant Classification Scheme 2023. Collection method: clinical testing. Allele origin: germline.
Comment: The p.A454P variant (also known as c.1360G>C), located in coding exon 4 of the SMAD6 gene, results from a G to C substitution at nucleotide position 1360. The alanine at codon 454 is replaced by proline, an amino acid with highly similar properties. This amino acid position is conserved. In addition, the in silico prediction for this alteration is inconclusive. Based on the available evidence, the clinical significance of this variant remains unclear.

Labcorp Genetics (formerly Invitae), Labcorp
Classification: Uncertain significance for Aortic valve disease 2. Last evaluated: 2024-08-20. Review status: criteria provided, single submitter. Criteria: Invitae Variant Classification Sherloc (09022015). Collection method: clinical testing. Allele origin: germline.
Comment: This sequence change replaces alanine, which is neutral and non-polar, with proline, which is neutral and non-polar, at codon 454 of the SMAD6 protein (p.Ala454Pro). This variant is present in population databases (no rsID available, gnomAD 0.001%). This variant has not been reported in the literature in individuals affected with SMAD6-related conditions. ClinVar contains an entry for this variant (Variation ID: 2179628). Invitae Evidence Modeling of protein sequence and biophysical properties (such as structural, functional, and spatial information, amino acid conservation, physicochemical variation, residue mobility, and thermodynamic stability) indicates that this missense variant is not expected to disrupt SMAD6 protein function with a negative predictive value of 80%. In summary, the available evidence is currently insufficient to determine the role of this variant in disease. Therefore, it has been classified as a Variant of Uncertain Significance.

PreventionGenetics, part of Exact Sciences
Classification: Uncertain significance for SMAD6-related condition. Last evaluated: 2024-05-31. Review status: no assertion criteria provided. Collection method: clinical testing. Allele origin: germline. Not counted in ClinVar's aggregate classification.
Comment: The SMAD6 c.1360G>C variant is predicted to result in the amino acid substitution p.Ala454Pro. To our knowledge, this variant has not been reported in the literature. This variant is reported in 0.00099% of alleles in individuals of European (Non-Finnish) descent in gnomAD. At this time, the clinical significance of this variant is uncertain due to the absence of conclusive functional and genetic evidence.

NM_005585.5(SMAD6):c.1360G>C (p.Ala454Pro)

Gene: SMAD6 (SMAD family member 6; plus strand). Cytogenetic location: 15q22.31.
Variant type: single nucleotide variant.
Coding change: c.1360G>C on transcript NM_005585.5 (MANE Select); coding-DNA position 1360, G replaced by C.
Protein change: p.Ala454Pro; replaces alanine 454 with proline.
Molecular consequence: missense variant. On other transcripts: non-coding transcript variant (1).
Genome position (GRCh38, 1-based): chr15:66,781,404, G>C. VCF-style: chr15-66781404-G-C. GRCh37 (hg19) VCF-style: chr15-67073742-G-C.
Other names: c.1360G>C (NM_005585.4); short protein forms A454P.
Identifiers: ClinVar variation 2179628 (VCV002179628.6), dbSNP rs754474911, ClinGen allele CA393202376.
Genomic context (GRCh38, chr15:66,781,404, plus strand): 5'-TACTCCATCAAGGTGTTCGACTTCGAGCGCTCGGGCCTGCAGCACGCGCCCGAGCCCGAC[G>C]CCGCCGACGGCCCCTACGACCCCAACAGCGTCCGCATCAGCTTCGCCAAGGGCTGGGGGC-3'
Protein context (NP_005576.3, residues 444-464): SGLQHAPEPD[Ala454Pro]ADGPYDPNSV